The following is an entry in ClinVar:

NM_015001.3(SPEN):c.8228C>T (p.Ala2743Val)

Gene: SPEN (spen family transcriptional repressor; plus strand). Cytogenetic location: 1p36.13.
Variant type: single nucleotide variant.
Coding change: c.8228C>T on transcript NM_015001.3 (MANE Select); coding-DNA position 8228, C replaced by T.
Protein change: p.Ala2743Val; replaces alanine 2743 with valine.
Molecular consequence: missense variant.
Genome position (GRCh38, 1-based): chr1:15,934,468, C>T. VCF-style: chr1-15934468-C-T. GRCh37 (hg19) VCF-style: chr1-16260963-C-T.
Other names: short protein forms A2743V.
Identifiers: ClinVar variation 4820943 (VCV004820943.4).

ClinVar aggregate classification (germline): Likely benign (1 of 4 stars; one submission).

gnomAD v4.1: 47 of 1,613,890 alleles (0.0029%); highest among the groups gnomAD compares: Middle Eastern, 0.016%; no homozygotes.

Submission:

CeGaT Center for Human Genetics Tuebingen
Classification: Likely benign. Last evaluated: 2026-02-01. Review status: criteria provided, single submitter. Criteria: CeGaT Center For Human Genetics Tuebingen Variant Classification Criteria Version 2. Collection method: clinical testing. Allele origin: germline. Affected: yes. Observed: 1 variant allele.
Comment: SPEN: BS2